The following is an entry in ClinVar:

NM_017654.4(SAMD9):c.1828A>G (p.Ser610Gly)

Gene: SAMD9 (sterile alpha motif domain containing 9; minus strand). Cytogenetic location: 7q21.2.
Variant type: single nucleotide variant.
Coding change: c.1828A>G on transcript NM_017654.4 (MANE Select); coding-DNA position 1828, A replaced by G.
Protein change: p.Ser610Gly; replaces serine 610 with glycine.
Molecular consequence: missense variant.
Genome position (GRCh38, 1-based): chr7:93,104,270, T>C on the plus strand (A>G on the coding strand, the complement: SAMD9 is on the minus strand). VCF-style: chr7-93104270-T-C. GRCh37 (hg19) VCF-style: chr7-92733583-T-C.
Other names: c.1828A>G, p.Ser610Gly (NM_001193307.2); c.1828A>G (NM_017654.3); short protein forms S610G.
Identifiers: ClinVar variation 2062944 (VCV002062944.11), dbSNP rs367869345, ClinGen allele CA4342926.

ClinVar aggregate classification (germline): Conflicting classifications of pathogenicity. Review status: criteria provided, conflicting classifications (1 of 4 stars). 5 submissions from 5 submitters: Uncertain significance (3); Benign (1). 1 of the submissions does not count toward it. Last evaluated 2025-12-16.

Conditions:
Hereditary cancer. Identifiers: MedGen C1333600.

Allele frequency attached by ClinVar (database versions not stated): ExAC 0.00002; gnomAD exomes 0.00004; TOPMed 0.00006; gnomAD 0.00009; ESP Exome Variant Server 0.00015.
gnomAD v4.1: 71 of 1,613,278 alleles (0.0044%); highest among the groups gnomAD compares: Non-Finnish European, 0.0053%; no homozygotes.

Submissions (5):

Labcorp Genetics (formerly Invitae), Labcorp
Classification: Uncertain significance. Last evaluated: 2025-12-16. Review status: criteria provided, single submitter. Criteria: Invitae Variant Classification Sherloc (09022015). Collection method: clinical testing. Allele origin: germline.
Comment: This sequence change replaces serine, which is neutral and polar, with glycine, which is neutral and non-polar, at codon 610 of the SAMD9 protein (p.Ser610Gly). This variant is present in population databases (rs367869345, gnomAD 0.01%). This variant has not been reported in the literature in individuals affected with SAMD9-related conditions. ClinVar contains an entry for this variant (Variation ID: 2062944). Invitae Evidence Modeling of protein sequence and biophysical properties (such as structural, functional, and spatial information, amino acid conservation, physicochemical variation, residue mobility, and thermodynamic stability) indicates that this missense variant is not expected to disrupt SAMD9 protein function with a negative predictive value of 95%. In summary, the available evidence is currently insufficient to determine the role of this variant in disease. Therefore, it has been classified as a Variant of Uncertain Significance.

Laboratory of Genetics, Children's Clinical University Hospital Latvia
Classification: Benign. Last evaluated: 2025-02-16. Review status: criteria provided, single submitter. Criteria: ACMG Guidelines, 2015. Collection method: clinical testing. Allele origin: germline. Affected: yes.

GeneDx
Classification: Uncertain significance. Last evaluated: 2025-02-07. Review status: criteria provided, single submitter. Criteria: GeneDx Variant Classification Process June 2021. Collection method: clinical testing. Allele origin: germline. Affected: yes.
Comment: In silico analysis supports that this missense variant does not alter protein structure/function; Has not been previously published as pathogenic or benign to our knowledge

Mendelics
Classification: Uncertain significance for Hereditary cancer. Last evaluated: 2024-08-12. Review status: criteria provided, single submitter. Criteria: ACMG Guidelines, 2015. Collection method: clinical testing. Allele origin: unknown.

Genetic Services Laboratory, University of Chicago
Classification: Uncertain significance. Last evaluated: 2022-07-11. Review status: no assertion criteria provided. Collection method: clinical testing. Allele origin: germline. Affected: no. Not counted in ClinVar's aggregate classification.
Comment: DNA sequence analysis of the SAMD9 gene demonstrated a sequence change, c.1828A>G, in exon 3 that results in an amino acid change, p.Ser610Gly. This sequence change does not appear to have been previously described in individuals with SAMD9-related disorders. This sequence change has been described in the gnomAD database with a frequency of 0.013 % in the European subpopulation (dbSNP rs367869345). The p.Ser610Gly change affects a moderately conserved amino acid residue located in a domain of the SAMD9 protein that is not known to be functional. The p.Ser610Gly substitution appears to be benign using several in-silico pathogenicity prediction tools (SIFT, PolyPhen2, Align GVGD, REVEL). Due to insufficient evidences and the lack of functional studies, the clinical significance of the p.Ser610Gly change remains unknown at this time.